The following is an entry in ClinVar:

ClinVar aggregate classification (germline): Benign/Likely benign. Review status: criteria provided, multiple submitters, no conflicts (2 of 4 stars). 5 submissions from 5 submitters: Benign (1); Likely benign (4). Last evaluated 2025-12-15.

Conditions:
Juvenile polyposis syndrome (JPS). Identifiers: Orphanet 2929, MedGen C0345893, MONDO:0017380, OMIM 174900.
Hereditary cancer-predisposing syndrome. Also called: Tumor predisposition; Hereditary neoplastic syndrome; Neoplastic Syndromes, Hereditary; Hereditary Cancer Syndrome. Identifiers: Orphanet 140162, MedGen C0027672, MeSH D009386, MONDO:0015356.

Allele frequency attached by ClinVar (database versions not stated): gnomAD exomes below 0.00001; TOPMed below 0.00001; gnomAD 0.00001.

Submissions (5):

Labcorp Genetics (formerly Invitae), Labcorp
Classification: Likely benign for Juvenile polyposis syndrome. Last evaluated: 2025-12-15. Review status: criteria provided, single submitter. Criteria: Invitae Variant Classification Sherloc (09022015). Collection method: clinical testing. Allele origin: germline.

Myriad Genetics, Inc.
Classification: Benign for Juvenile polyposis syndrome. Last evaluated: 2024-08-07. Review status: criteria provided, single submitter. Criteria: Myriad Autosomal Dominant, Autosomal Recessive and X-Linked Classification Criteria (2023). Collection method: clinical testing. Allele origin: unknown.
Comment: This variant is considered benign. This variant is a silent/synonymous amino acid change and it is not expected to impact splicing.

All of Us Research Program, National Institutes of Health
Classification: Likely benign for Juvenile polyposis syndrome. Last evaluated: 2023-11-20. Review status: criteria provided, single submitter. Criteria: ACMG Guidelines, 2015. Collection method: clinical testing. Allele origin: germline. Inheritance: Autosomal dominant inheritance. Observed: 3 variant alleles, 3 heterozygotes.
Comment: This study involves interpretation of variants in research participants for the purpose of population health screening. Participant phenotype was not available at the time of variant classification. Additional details can be found in publication PMID: 35346344, PMCID: PMC8962531

Color Diagnostics, LLC DBA Color Health
Classification: Likely benign for Hereditary cancer-predisposing syndrome. Last evaluated: 2022-05-23. Review status: criteria provided, single submitter. Criteria: ACMG Guidelines, 2015. Collection method: clinical testing. Allele origin: germline.

Ambry Genetics
Classification: Likely benign for Hereditary cancer-predisposing syndrome. Last evaluated: 2019-05-17. Review status: criteria provided, single submitter. Criteria: Ambry Variant Classification Scheme 2023. Collection method: clinical testing. Allele origin: germline.

NM_004329.3(BMPR1A):c.1335C>T (p.Ile445=)

Gene: BMPR1A (bone morphogenetic protein receptor type 1A; plus strand). Cytogenetic location: 10q23.2.
Variant type: single nucleotide variant.
Coding change: c.1335C>T on transcript NM_004329.3 (MANE Select); coding-DNA position 1335, C replaced by T.
Protein change: p.Ile445=; no amino-acid change (isoleucine 445 retained).
Molecular consequence: synonymous variant.
Genome position (GRCh38, 1-based): chr10:86,921,688, C>T. VCF-style: chr10-86921688-C-T. GRCh37 (hg19) VCF-style: chr10-88681445-C-T.
Identifiers: ClinVar variation 705402 (VCV000705402.19), dbSNP rs1218546341, ClinGen allele CA470308472.
Genomic context (GRCh38, chr10:86,921,688, plus strand): 5'-CATCATGGCTGACATCTACAGCTTCGGCCTAATCATTTGGGAGATGGCTCGTCGTTGTAT[C>T]ACAGGAGGTGGGAGTTTGAGTAGTTTCTGATTATGTTGATTTACTCATCATTTTAAAAAT-3'
Protein context (NP_004320.2, residues 435-455): LIIWEMARRC[Ile445=]TGGIVEEYQL